The following is an entry in ClinVar:

NM_001142800.2(EYS):c.1307_1310del (p.Cys436fs)

Gene: EYS (EGF-like photoreceptor maintenance factor; minus strand). Cytogenetic location: 6q12.
Variant type: Deletion.
Coding change: c.1307_1310del on transcript NM_001142800.2 (MANE Select); coding-DNA positions 1307 to 1310, 4 bases deleted (GCAT; older notation c.1307_1310delGCAT).
Protein change: p.Cys436fs; shifts the reading frame from cysteine 436.
Molecular consequence: frameshift variant.
Genome position (GRCh38, 1-based): chr6:65,353,607-65,353,610, ATGC deleted on the plus strand (GCAT on the coding strand, the reverse complement: EYS is on the minus strand); deleting any 4 consecutive bases within chr6:65,353,607-65,353,612 gives the same sequence; the c. name uses the placement nearest the transcript's 3' end. VCF-style (leftmost placement, unchanged base first): chr6-65353606-AATGC-A. GRCh37 (hg19) VCF-style: chr6-66063499-AATGC-A.
Other names: c.1307_1310del, p.Cys436fs (NM_001142801.2, NM_001292009.2, NM_198283.2); c.1307_1310del (NM_001142800.1); short protein forms C436fs.
Identifiers: ClinVar variation 1974622 (VCV001974622.8), dbSNP rs2533203525, ClinGen allele CA2580075687.

ClinVar aggregate classification (germline): Pathogenic. Review status: criteria provided, multiple submitters, no conflicts (2 of 4 stars). 3 submissions from 3 submitters: Pathogenic (2). 1 of the submissions does not count toward it. Last evaluated 2025-12-17.

Conditions:
Retinal dystrophy. Also called: Inherited retinal dystrophy. Identifiers: Orphanet 71862, MedGen C0854723, MeSH D058499, MONDO:0019118, HP:0000556.
Retinitis pigmentosa 25 (RP25). Identifiers: Orphanet 791, MedGen C1864446, MONDO:0011272, OMIM 602772.

Submissions (3):

Natera, Inc.
Classification: Pathogenic for Retinitis pigmentosa type 25. Last evaluated: 2025-12-17. Review status: criteria provided, single submitter. Criteria: Natera Variant Classification Schema (03/2026). Collection method: clinical testing. Allele origin: germline.
Comment: The c.1307_1310del variant in EYS is a frameshift variant predicted to shift the reading frame beginning at codon 436 and leads to a stop codon 12 codons downstream. This variant is expected to result in nonsense mediated decay, truncation, or a dysfunctional protein product. This variant is rare in the general population with a frequency below the threshold expected for the associated phenotype(s). This variant has been observed in one or more individuals affected with the associated recessive disease, as either homozygous or compound heterozygous with a second variant (PMID: 39462066). Given the available evidence, this variant is classified as Pathogenic.

Labcorp Genetics (formerly Invitae), Labcorp
Classification: Pathogenic. Last evaluated: 2024-10-23. Review status: criteria provided, single submitter. Criteria: Invitae Variant Classification Sherloc (09022015). Collection method: clinical testing. Allele origin: germline.
Comment: This sequence change creates a premature translational stop signal (p.Cys436Phefs*12) in the EYS gene. It is expected to result in an absent or disrupted protein product. Loss-of-function variants in EYS are known to be pathogenic (PMID: 18836446, 20333770). This variant is not present in population databases (gnomAD no frequency). This variant has not been reported in the literature in individuals affected with EYS-related conditions. ClinVar contains an entry for this variant (Variation ID: 1974622). For these reasons, this variant has been classified as Pathogenic.

Institute of Human Genetics, Univ. Regensburg, Univ. Regensburg
Classification: Pathogenic for Retinal dystrophy. Last evaluated: 2022-01-01. Review status: no assertion criteria provided. Criteria: ACMG Guidelines, 2015. Collection method: clinical testing. Allele origin: germline. Affected: yes. Not counted in ClinVar's aggregate classification.

Literature cited by the submitters: PubMed 39462066 (cited by Natera, Inc.); PubMed 18836446 (cited by Labcorp Genetics (formerly Invitae), Labcorp); PubMed 20333770 (cited by Labcorp Genetics (formerly Invitae), Labcorp).